The following is an entry in ClinVar:

ClinVar aggregate classification (germline): Conflicting classifications of pathogenicity. Review status: criteria provided, conflicting classifications (1 of 4 stars). 2 submissions from 2 submitters: Uncertain significance (1); Likely benign (1). Last evaluated 2026-06-08.

Conditions:
Cardiovascular phenotype. Identifiers: MedGen CN230736.
Ehlers-Danlos syndrome, musculocontractural type (EDSMC). Also called: Adducted thumb, clubfoot, progressive joint and skin laxity syndrome; ARTHROGRYPOSIS, DISTAL, WITH PECULIAR FACIES AND HYDRONEPHROSIS; ADDUCTED THUMB-CLUBFOOT SYNDROME; DUNDAR SYNDROME. Identifiers: Orphanet 2953, MedGen C1866294, MONDO:0011142.

Allele frequency attached by ClinVar (database versions not stated): ExAC 0.00002; TOPMed 0.00001; gnomAD 0.00001.

Submissions (2):

Ambry Genetics
Classification: Likely benign for Cardiovascular phenotype. Last evaluated: 2026-06-08. Review status: criteria provided, single submitter. Criteria: Ambry Variant Classification Scheme 2023. Collection method: clinical testing. Allele origin: germline.

Labcorp Genetics (formerly Invitae), Labcorp
Classification: Uncertain significance for Ehlers-Danlos syndrome, musculocontractural type. Last evaluated: 2021-08-07. Review status: criteria provided, single submitter. Criteria: Invitae Variant Classification Sherloc (09022015). Collection method: clinical testing. Allele origin: germline.
Comment: This sequence change replaces asparagine with aspartic acid at codon 307 of the CHST14 protein (p.Asn307Asp). The asparagine residue is moderately conserved and there is a small physicochemical difference between asparagine and aspartic acid. This variant is present in population databases (rs767533841, ExAC 0.02%). This variant has not been reported in the literature in individuals affected with CHST14-related conditions. Algorithms developed to predict the effect of missense changes on protein structure and function (SIFT, PolyPhen-2, Align-GVGD) all suggest that this variant is likely to be tolerated. In summary, the available evidence is currently insufficient to determine the role of this variant in disease. Therefore, it has been classified as a Variant of Uncertain Significance.

NM_130468.4(CHST14):c.919A>G (p.Asn307Asp)

Gene: CHST14 (carbohydrate sulfotransferase 14; plus strand). Cytogenetic location: 15q15.1.
Variant type: single nucleotide variant.
Coding change: c.919A>G on transcript NM_130468.4 (MANE Select); coding-DNA position 919, A replaced by G.
Protein change: p.Asn307Asp; replaces asparagine 307 with aspartic acid.
Molecular consequence: missense variant.
Genome position (GRCh38, 1-based): chr15:40,472,132, A>G. VCF-style: chr15-40472132-A-G. GRCh37 (hg19) VCF-style: chr15-40764331-A-G.
Other names: short protein forms N307D.
Identifiers: ClinVar variation 1428002 (VCV001428002.7), dbSNP rs767533841, ClinGen allele CA7481668.